The following is an entry in ClinVar:

ClinVar aggregate classification (germline): Uncertain significance. Review status: criteria provided, single submitter (1 of 4 stars). 2 submissions from 2 submitters: Uncertain significance (1). 1 of the submissions does not count toward it. Last evaluated 2024-03-24.

Conditions:
Blau syndrome (BLAUS). Also called: ARTHROCUTANEOUVEAL GRANULOMATOSIS; GRANULOMATOSIS, FAMILIAL JUVENILE SYSTEMIC; GRANULOMATOSIS, FAMILIAL, BLAU TYPE; GRANULOMATOUS INFLAMMATORY ARTHRITIS, DERMATITIS, AND UVEITIS, FAMILIAL; JABS SYNDROME. Identifiers: Orphanet 90340, MedGen C5201146, MONDO:0008523, OMIM 186580.
Regional enteritis. Also called: Enteritis, Granulomatous. Identifiers: MedGen C0678202, MeSH D003424.

Allele frequency attached by ClinVar (database versions not stated): gnomAD exomes 0.00001 and 0.00003; ExAC 0.00003; gnomAD 0.00003; TOPMed 0.00004.
gnomAD v4.1: 18 of 1,613,822 alleles (0.0011%); highest among the groups gnomAD compares: African/African-American, 0.008%; no homozygotes.

Submissions (2):

Labcorp Genetics (formerly Invitae), Labcorp
Classification: Uncertain significance for Regional enteritis; Blau syndrome. Last evaluated: 2024-03-24. Review status: criteria provided, single submitter. Criteria: Invitae Variant Classification Sherloc (09022015). Collection method: clinical testing. Allele origin: germline.
Comment: This sequence change replaces aspartic acid, which is acidic and polar, with asparagine, which is neutral and polar, at codon 113 of the NOD2 protein (p.Asp113Asn). This variant is present in population databases (rs104895468, gnomAD 0.01%). This missense change has been observed in individual(s) with Crohn disease (PMID: 15024686). ClinVar contains an entry for this variant (Variation ID: 97876). Advanced modeling of protein sequence and biophysical properties (such as structural, functional, and spatial information, amino acid conservation, physicochemical variation, residue mobility, and thermodynamic stability) performed at Invitae indicates that this missense variant is not expected to disrupt NOD2 protein function with a negative predictive value of 95%. Experimental studies have shown that this missense change does not substantially affect NOD2 function (PMID: 26500656). In summary, the available evidence is currently insufficient to determine the role of this variant in disease. Therefore, it has been classified as a Variant of Uncertain Significance.

Unité médicale des maladies autoinflammatoires, CHRU Montpellier
No classification provided. Condition: Sarcoidosis, early-onset. Review status: no classification provided. Collection method: not provided. Allele origin: unknown. Not counted in ClinVar's aggregate classification.
Comment: also involved in OMIM 186580 and 266600

Literature cited by the submitters: PubMed 15024686 (cited by Labcorp Genetics (formerly Invitae), Labcorp); PubMed 26500656 (cited by Labcorp Genetics (formerly Invitae), Labcorp).

NM_001370466.1(NOD2):c.256G>A (p.Asp86Asn)

Gene: NOD2 (nucleotide binding oligomerization domain containing 2; plus strand). Cytogenetic location: 16q12.1.
Variant type: single nucleotide variant.
Coding change: c.256G>A on transcript NM_001370466.1 (MANE Select); coding-DNA position 256, G replaced by A.
Protein change: p.Asp86Asn; replaces aspartic acid 86 with asparagine.
Molecular consequence: missense variant. On other transcripts: non-coding transcript variant (1).
Genome position (GRCh38, 1-based): chr16:50,699,751, G>A. VCF-style: chr16-50699751-G-A. GRCh37 (hg19) VCF-style: chr16-50733662-G-A.
Other names: c.337G>A (LRG_177t1); c.256G>A, p.Asp86Asn (NM_001293557.2); c.337G>A, p.Asp113Asn (NM_022162.3); short protein forms D113N, D86N.
Identifiers: ClinVar variation 97876 (VCV000097876.9), dbSNP rs104895468, ClinGen allele CA150330.